The following is an entry in ClinVar:

ClinVar aggregate classification (germline): Uncertain significance (1 of 4 stars; one submission).

Conditions:
Generalized epilepsy with febrile seizures plus, type 7 (GEFSP7). Also called: GEFS+, TYPE 7. Identifiers: Orphanet 36387, MedGen C2751778, MONDO:0013470, OMIM 613863.
Neuropathy, hereditary sensory and autonomic, type 2A (HSAN2A). Also called: WNK1-Related HSAN2 (HSAN2A); HSAN IIA; MORVAN DISEASE; NEUROPATHY, CONGENITAL SENSORY; NEUROPATHY, HEREDITARY SENSORY RADICULAR, AUTOSOMAL RECESSIVE; NEUROPATHY, HEREDITARY SENSORY, TYPE IIA. Identifiers: Orphanet 970, MedGen C2752089, MONDO:0024309, OMIM 201300.

Submission:

Labcorp Genetics (formerly Invitae), Labcorp
Classification: Uncertain significance for Neuropathy, hereditary sensory and autonomic, type 2A; Generalized epilepsy with febrile seizures plus, type 7. Last evaluated: 2021-12-24. Review status: criteria provided, single submitter. Criteria: Invitae Variant Classification Sherloc (09022015). Collection method: clinical testing. Allele origin: germline.
Comment: This variant has not been reported in the literature in individuals affected with SCN9A-related conditions. In summary, the available evidence is currently insufficient to determine the role of this variant in disease. Therefore, it has been classified as a Variant of Uncertain Significance. Algorithms developed to predict the effect of missense changes on protein structure and function (SIFT, PolyPhen-2, Align-GVGD) all suggest that this variant is likely to be disruptive. ClinVar contains an entry for this variant (Variation ID: 962327). This variant is not present in population databases (gnomAD no frequency). This sequence change replaces phenylalanine, which is neutral and non-polar, with serine, which is neutral and polar, at codon 1645 of the SCN9A protein (p.Phe1645Ser).

NM_001365536.1(SCN9A):c.4967T>C (p.Phe1656Ser)

Genes: SCN9A (sodium voltage-gated channel alpha subunit 9; minus strand), SCN1A-AS1 (SCN1A and SCN9A antisense RNA 1; plus strand). Cytogenetic location: 2q24.3.
Variant type: single nucleotide variant.
Coding change: c.4967T>C on transcript NM_001365536.1 (MANE Select); coding-DNA position 4967, T replaced by C.
Protein change: p.Phe1656Ser; replaces phenylalanine 1656 with serine.
Molecular consequence: missense variant. On other transcripts: non-coding transcript variant (1).
Genome position (GRCh38, 1-based): chr2:166,199,672, A>G on the plus strand (T>C on the coding strand, the complement: SCN9A is on the minus strand). VCF-style: chr2-166199672-A-G. GRCh37 (hg19) VCF-style: chr2-167056182-A-G.
Other names: c.4934T>C, p.Phe1645Ser (NM_002977.4); short protein forms F1645S, F1656S.
Identifiers: ClinVar variation 962327 (VCV000962327.10), dbSNP rs1693386075, ClinGen allele CA349055023.